The following is an entry in ClinVar:

ClinVar aggregate classification (germline): Uncertain significance (1 of 4 stars; one submission).

Conditions:
Hereditary spastic paraplegia 3A (SPG3A). Also called: SPASTIC PARAPLEGIA 3, AUTOSOMAL DOMINANT; FAMILIAL SPASTIC PARAPLEGIA, AUTOSOMAL DOMINANT, 1; SPG3; STRUMPELL DISEASE; Spastic Paraplegia 3A; Spastic paraplegia 3A, autosomal dominant. Identifiers: Orphanet 100984, MedGen C2931355, MONDO:0008437, OMIM 182600.

Submission:

Labcorp Genetics (formerly Invitae), Labcorp
Classification: Uncertain significance for Hereditary spastic paraplegia 3A. Last evaluated: 2024-07-22. Review status: criteria provided, single submitter. Criteria: Invitae Variant Classification Sherloc (09022015). Collection method: clinical testing. Allele origin: germline.
Comment: This sequence change replaces lysine, which is basic and polar, with asparagine, which is neutral and polar, at codon 139 of the ATL1 protein (p.Lys139Asn). This variant also falls at the last nucleotide of exon 3, which is part of the consensus splice site for this exon. This variant is not present in population databases (gnomAD no frequency). This variant has not been reported in the literature in individuals affected with ATL1-related conditions. An algorithm developed to predict the effect of missense changes on protein structure and function (PolyPhen-2) suggests that this variant is likely to be tolerated. Variants that disrupt the consensus splice site are a relatively common cause of aberrant splicing (PMID: 17576681, 9536098). Algorithms developed to predict the effect of sequence changes on RNA splicing suggest that this variant may disrupt the consensus splice site. In summary, the available evidence is currently insufficient to determine the role of this variant in disease. Therefore, it has been classified as a Variant of Uncertain Significance.

Literature cited by the submitters: PubMed 17576681; PubMed 9536098.

NM_015915.5(ATL1):c.417G>T (p.Lys139Asn)

Gene: ATL1 (atlastin GTPase 1; plus strand). Cytogenetic location: 14q22.1.
Variant type: single nucleotide variant.
Coding change: c.417G>T on transcript NM_015915.5 (MANE Select); coding-DNA position 417, G replaced by T.
Protein change: p.Lys139Asn; replaces lysine 139 with asparagine.
Molecular consequence: missense variant.
Genome position (GRCh38, 1-based): chr14:50,591,075, G>T. VCF-style: chr14-50591075-G-T. GRCh37 (hg19) VCF-style: chr14-51057793-G-T.
Other names: c.417G>T, p.Lys139Asn (NM_001127713.1, NM_181598.4); short protein forms K139N.
Identifiers: ClinVar variation 3660193 (VCV003660193.2).